The following is an entry in ClinVar:

NM_004360.5(CDH1):c.1315_1316delinsCAA (p.Ala439fs)

Gene: CDH1 (cadherin 1; plus strand). Cytogenetic location: 16q22.1.
Variant type: Indel.
Coding change: c.1315_1316delinsCAA on transcript NM_004360.5 (MANE Select); coding-DNA positions 1315 to 1316, GC replaced by CAA.
Protein change: p.Ala439fs; shifts the reading frame from alanine 439.
Molecular consequence: frameshift variant. On other transcripts: 5 prime UTR variant (2), intron variant (1).
Genome position (GRCh38, 1-based): chr16:68,813,490-68,813,491, GC replaced by CAA. VCF-style: chr16-68813490-GC-CAA. GRCh37 (hg19) VCF-style: chr16-68847393-GC-CAA.
Other names: c.-301_-300delinsCAA (NM_001317185.2); c.-505_-504delinsCAA (NM_001317186.2); c.1137+1227_1137+1228delinsCAA (NM_001317184.2); short protein forms A439fs.
Identifiers: ClinVar variation 2583762 (VCV002583762.3), dbSNP rs2543927284, ClinGen allele CA2582342589.

ClinVar aggregate classification (germline): Pathogenic. Review status: criteria provided, multiple submitters, no conflicts (2 of 4 stars). 2 submissions from 2 submitters: Pathogenic (2). Last evaluated 2026-08-27.

Conditions:
Hereditary diffuse gastric adenocarcinoma (HDGC). Also called: DIFFUSE GASTRIC AND LOBULAR BREAST CANCER SYNDROME. Identifiers: Orphanet 26106, MedGen C1708349, MONDO:0007648, OMIM 137215.
Hereditary cancer-predisposing syndrome. Also called: Hereditary neoplastic syndrome; Hereditary Cancer Syndrome; Neoplastic Syndromes, Hereditary; Tumor predisposition. Identifiers: Orphanet 140162, MedGen C0027672, MeSH D009386, MONDO:0015356.

Submissions (2):

Ambry Genetics
Classification: Pathogenic for Hereditary cancer-predisposing syndrome. Last evaluated: 2026-08-27. Review status: criteria provided, single submitter. Criteria: Ambry Variant Classification Scheme 2023. Collection method: clinical testing. Allele origin: germline.
Comment: The c.1315_1316delGCinsCAA pathogenic mutation, located in coding exon 9 of the CDH1 gene, results from the deletion of two nucleotides and insertion of 3 nucleotides causing a translational frameshift with a predicted alternate stop codon (p.A439Qfs*7). This variant is considered to be rare based on population cohorts in the Genome Aggregation Database (gnomAD). This alteration is expected to result in loss of function by premature protein truncation or nonsense-mediated mRNA decay. As such, this alteration is interpreted as a disease-causing mutation.

Myriad Genetics, Inc.
Classification: Pathogenic for Hereditary diffuse gastric adenocarcinoma. Last evaluated: 2023-06-13. Review status: criteria provided, single submitter. Criteria: Myriad Autosomal Dominant, Autosomal Recessive and X-Linked Classification Criteria (2023). Collection method: clinical testing. Allele origin: unknown.
Comment: This variant is considered pathogenic. This variant creates a frameshift predicted to result in premature protein truncation.